The following is an entry in ClinVar:

ClinVar aggregate classification (germline): Uncertain significance (1 of 4 stars; one submission).

Submission:

CeGaT Center for Human Genetics Tuebingen
Classification: Uncertain significance. Last evaluated: 2024-10-01. Review status: criteria provided, single submitter. Criteria: CeGaT Center For Human Genetics Tuebingen Variant Classification Criteria Version 2. Collection method: clinical testing. Allele origin: germline. Affected: yes. Observed: 1 variant allele.
Comment: FBN1: PM2, PP3

NM_000138.5(FBN1):c.1988G>A (p.Gly663Asp)

Gene: FBN1 (fibrillin 1; minus strand). Cytogenetic location: 15q21.1.
Variant type: single nucleotide variant.
Coding change: c.1988G>A on transcript NM_000138.5 (MANE Select); coding-DNA position 1988, G replaced by A.
Protein change: p.Gly663Asp; replaces glycine 663 with aspartic acid.
Molecular consequence: missense variant.
Genome position (GRCh38, 1-based): chr15:48,503,912, C>T on the plus strand (G>A on the coding strand, the complement: FBN1 is on the minus strand). VCF-style: chr15-48503912-C-T. GRCh37 (hg19) VCF-style: chr15-48796109-C-T.
Other names: c.1988G>A, p.Gly663Asp (NM_001406716.1); short protein forms G663D.
Identifiers: ClinVar variation 3389815 (VCV003389815.14).